The following is an entry in ClinVar:

NM_005618.4(DLL1):c.453dup (p.His152fs)

Gene: DLL1 (delta like canonical Notch ligand 1; minus strand). Cytogenetic location: 6q27.
Variant type: Duplication.
Coding change: c.453dup on transcript NM_005618.4 (MANE Select); coding-DNA position 453, one base duplicated (G; older notation c.453dupG).
Protein change: p.His152fs; shifts the reading frame from histidine 152.
Molecular consequence: frameshift variant.
Genome position (GRCh38, 1-based): chr6:170,288,456, C duplicated on the plus strand (G on the coding strand, the reverse complement: DLL1 is on the minus strand); the first of 2 consecutive C bases (chr6:170,288,456-170,288,457); duplicating either gives the same sequence. VCF-style (leftmost placement, unchanged base first): chr6-170288455-G-GC. GRCh37 (hg19) VCF-style: chr6-170597543-G-GC.
Other names: short protein forms H152fs.
Identifiers: ClinVar variation 2632490 (VCV002632490.1), dbSNP rs2483358646, ClinGen allele CA2695198390.

ClinVar aggregate classification (germline): Likely pathogenic (1 of 4 stars; one submission).

Conditions:
DLL1-related disorder. Also called: DLL1-related condition.

Submission:

PreventionGenetics, part of Exact Sciences
Classification: Likely pathogenic for DLL1-related condition. Last evaluated: 2023-05-30. Review status: criteria provided, single submitter. Criteria: ACMG Guidelines, 2015. Collection method: clinical testing. Allele origin: germline.
Comment: The DLL1 c.453dupG variant is predicted to result in a frameshift and premature protein termination (p.His152Alafs*29). To our knowledge, this variant has not been reported in the literature or in a large population database, indicating this variant is rare. Frameshift variants in DLL1 are expected to be pathogenic. This variant is interpreted as likely pathogenic.